The following is an entry in ClinVar:

ClinVar aggregate classification (germline): Pathogenic/Likely pathogenic. Review status: criteria provided, multiple submitters, no conflicts (2 of 4 stars). 4 submissions from 4 submitters: Pathogenic (1); Likely pathogenic (3). Last evaluated 2024-04-25.

Conditions:
Ceroid lipofuscinosis, neuronal, 6A. Also called: Neuronal ceroid lipofuscinosis, late infantile, variant; Neuronal ceroid lipofuscinosis, Gypsy/Indian early juvenile variant; Neuronal ceroid lipofuscinosis 6; CLN6-Related Neuronal Ceroid-Lipofuscinosis. Identifiers: Orphanet 168491, Orphanet 228363, MedGen C5551375, MONDO:0011144, OMIM 601780.
Ceroid lipofuscinosis, neuronal, 6B (Kufs type). Also called: Neuronal ceroid lipofuscinosis 4A. Identifiers: Orphanet 700477, MedGen C5561927, MONDO:0008768, OMIM 204300.
Neuronal ceroid lipofuscinosis. Also called: Neuronal Ceroid Lipofuscinoses. Identifiers: Orphanet 216, Orphanet 79263, MedGen C0027877, MONDO:0016295. Disease mechanism: loss of function.

Allele frequency attached by ClinVar (database versions not stated): gnomAD exomes below 0.00001.

Submissions (4):

Labcorp Genetics (formerly Invitae), Labcorp
Classification: Pathogenic for Neuronal ceroid lipofuscinosis. Last evaluated: 2024-04-25. Review status: criteria provided, single submitter. Criteria: Invitae Variant Classification Sherloc (09022015). Collection method: clinical testing. Allele origin: germline.
Comment: This sequence change affects the initiator methionine of the CLN6 mRNA. The next in-frame methionine is located at codon 66. This variant is not present in population databases (gnomAD no frequency). This variant has not been reported in the literature in individuals affected with CLN6-related conditions. ClinVar contains an entry for this variant (Variation ID: 1017289). This variant disrupts a region of the CLN6 protein in which other variant(s) (p.Arg62Cys) have been determined to be pathogenic (PMID: 12815591, 19135028, 31216804). This suggests that this is a clinically significant region of the protein, and that variants that disrupt it are likely to be disease-causing. For these reasons, this variant has been classified as Pathogenic.

Natera, Inc.
Classification: Likely pathogenic for Ceroid lipofuscinosis, neuronal, 6A. Last evaluated: 2024-04-17. Review status: criteria provided, single submitter. Criteria: Natera Variant Classification Schema (03/2026). Collection method: clinical testing. Allele origin: germline.
Comment: The c.3G>A variant in CLN6 is predicted to result in start loss due to disruption of the initiator methionine. This variant is expected to result in nonsense mediated decay, truncation, or a dysfunctional protein product. This variant is rare in the general population with a frequency below the threshold expected for the associated phenotype(s). Given the available evidence, this variant is classified as Likely Pathogenic.

Fulgent Genetics
Classification: Likely pathogenic for Ceroid lipofuscinosis, neuronal, 6B (Kufs type); Ceroid lipofuscinosis, neuronal, 6A. Last evaluated: 2024-01-26. Review status: criteria provided, single submitter. Criteria: ACMG Guidelines, 2015. Collection method: clinical testing. Allele origin: germline.

Women's Health and Genetics/Laboratory Corporation of America, LabCorp
Classification: Likely pathogenic for Neuronal ceroid lipofuscinosis. Last evaluated: 2023-09-20. Review status: criteria provided, single submitter. Criteria: LabCorp Variant Classification Summary - May 2015. Collection method: clinical testing. Allele origin: germline.
Comment: Variant summary: CLN6 c.3G>A (p.Met1Ile) alters the initiation codon and is predicted to result either in absence of the protein or truncation of the encoded protein due to translation initiation at a downstream codon. Two of three in-silico tools predict a damaging effect of the variant on protein function. Second in-frame Met is located in codon 66 and variants upstream of this codon were found in patients with neuronal ceroid lipofuscinosis in HGMD and classified as pathogenic in ClinVar. The variant was absent in 80306 control chromosomes (gnomAD). The available data on variant occurrences in the general population are insufficient to allow any conclusion about variant significance. To our knowledge, no occurrence of c.3G>A in individuals affected with Neuronal Ceroid-Lipofuscinosis (Batten Disease) and no experimental evidence demonstrating its impact on protein function have been reported. One submitter has cited clinical-significance assessments for this variant to ClinVar after 2014 and has classified the variant as pathogenic. Based on the evidence outlined above, the variant was classified as likely pathogenic.

Literature cited by the submitters: PubMed 12815591 (cited by Labcorp Genetics (formerly Invitae), Labcorp); PubMed 19135028 (cited by Labcorp Genetics (formerly Invitae), Labcorp); PubMed 31216804 (cited by Labcorp Genetics (formerly Invitae), Labcorp).

NM_017882.3(CLN6):c.3G>A (p.Met1Ile)

Gene: CLN6 (CLN6 transmembrane ER protein; minus strand). Cytogenetic location: 15q23.
Variant type: single nucleotide variant.
Coding change: c.3G>A on transcript NM_017882.3 (MANE Select); coding-DNA position 3, G replaced by A.
Protein change: p.Met1Ile; changes the start codon (methionine 1).
Molecular consequence: missense variant, initiator codon variant.
Genome position (GRCh38, 1-based): chr15:68,229,582, C>T on the plus strand (G>A on the coding strand, the complement: CLN6 is on the minus strand). VCF-style: chr15-68229582-C-T. GRCh37 (hg19) VCF-style: chr15-68521920-C-T.
Other names: c.3G>A (NM_017882.2); short protein forms M1I.
Identifiers: ClinVar variation 1017289 (VCV001017289.11), dbSNP rs2093262869, ClinGen allele CA392978388.
Genomic context (GRCh38, chr15:68,229,582, plus strand): 5'-GCCCAGCTGCGCGCCTGGGCCGCCCGTCGCTCCCAGGTGCTGCCGCCTCCGCGTCGCCTC[C>T]ATGGCTGCCCCGCAGGCCCCTCGGCCCTGCCTTTCCGAGGAAGAGACCGGTTCAGCTCGG-3'
Protein context (NP_060352.1, residues 1-11): [Met1Ile]EATRRRQHLG